The following is an entry in ClinVar:

ClinVar aggregate classification (germline): Uncertain significance (1 of 4 stars; one submission).

Conditions:
Hereditary cancer-predisposing syndrome. Also called: Neoplastic Syndromes, Hereditary; Tumor predisposition; Hereditary neoplastic syndrome; Hereditary Cancer Syndrome. Identifiers: Orphanet 140162, MedGen C0027672, MeSH D009386, MONDO:0015356.

Submission:

Ambry Genetics
Classification: Uncertain significance for Hereditary cancer-predisposing syndrome. Last evaluated: 2026-07-06. Review status: criteria provided, single submitter. Criteria: Ambry Variant Classification Scheme 2023. Collection method: clinical testing. Allele origin: germline.
Comment: The p.P64H variant (also known as c.191C>A), located in coding exon 3 of the NBN gene, results from a C to A substitution at nucleotide position 191. The proline at codon 64 is replaced by histidine, an amino acid with similar properties. This amino acid position is conserved. In addition, the in silico prediction for this alteration is inconclusive. Based on the available evidence, the clinical significance of this variant remains unclear.

NM_002485.5(NBN):c.191C>A (p.Pro64His)

Gene: NBN (nibrin; minus strand). Cytogenetic location: 8q21.3.
Variant type: single nucleotide variant.
Coding change: c.191C>A on transcript NM_002485.5 (MANE Select); coding-DNA position 191, C replaced by A.
Protein change: p.Pro64His; replaces proline 64 with histidine.
Molecular consequence: missense variant. On other transcripts: 5 prime UTR variant (3).
Genome position (GRCh38, 1-based): chr8:89,981,504, G>T on the plus strand (C>A on the coding strand, the complement: NBN is on the minus strand). VCF-style: chr8-89981504-G-T. GRCh37 (hg19) VCF-style: chr8-90993732-G-T.
Other names: c.-56C>A (NM_001024688.3, NM_001440379.1, NM_001440380.1); short protein forms P64H.
Identifiers: ClinVar variation 5025383 (VCV005025383.1).